The following is an entry in ClinVar:

ClinVar aggregate classification (germline): Uncertain significance (1 of 4 stars; one submission).

Submission:

GeneDx
Classification: Uncertain significance. Last evaluated: 2024-03-11. Review status: criteria provided, single submitter. Criteria: GeneDx Variant Classification Process June 2021. Collection method: clinical testing. Allele origin: germline. Affected: yes.
Comment: Not observed at significant frequency in large population cohorts (gnomAD); In silico analysis supports that this missense variant has a deleterious effect on protein structure/function; Has not been previously published as pathogenic or benign to our knowledge

NM_001744.6(CAMK4):c.902C>T (p.Thr301Ile)

Gene: CAMK4 (calcium/calmodulin dependent protein kinase IV; plus strand). Cytogenetic location: 5q22.1.
Variant type: single nucleotide variant.
Coding change: c.902C>T on transcript NM_001744.6 (MANE Select); coding-DNA position 902, C replaced by T.
Protein change: p.Thr301Ile; replaces threonine 301 with isoleucine.
Molecular consequence: missense variant.
Genome position (GRCh38, 1-based): chr5:111,482,858, C>T. VCF-style: chr5-111482858-C-T. GRCh37 (hg19) VCF-style: chr5-110818556-C-T.
Other names: c.902C>T, p.Thr301Ile (NM_001323374.2, NM_001323375.2); c.311C>T, p.Thr104Ile (NM_001323376.2, NM_001323377.2); short protein forms T104I, T301I.
Identifiers: ClinVar variation 3370894 (VCV003370894.1).